The following is an entry in ClinVar:

NM_005198.5(CHKB):c.138G>T (p.Glu46Asp)

Genes: CHKB (choline kinase beta; minus strand), CHKB-CPT1B (CHKB-CPT1B readthrough (NMD candidate); minus strand). Cytogenetic location: 22q13.33.
Variant type: single nucleotide variant.
Coding change: c.138G>T on transcript NM_005198.5 (MANE Select); coding-DNA position 138, G replaced by T.
Protein change: p.Glu46Asp; replaces glutamic acid 46 with aspartic acid.
Molecular consequence: missense variant. On other transcripts: non-coding transcript variant (1).
Genome position (GRCh38, 1-based): chr22:50,582,644, C>A on the plus strand (G>T on the coding strand, the complement: CHKB is on the minus strand). VCF-style: chr22-50582644-C-A. GRCh37 (hg19) VCF-style: chr22-51021073-C-A.
Other names: short protein forms E46D.
Identifiers: ClinVar variation 638334 (VCV000638334.14), dbSNP rs752292240, ClinGen allele CA10323902.

ClinVar aggregate classification (germline): Conflicting classifications of pathogenicity. Review status: criteria provided, conflicting classifications (1 of 4 stars). 3 submissions from 3 submitters: Uncertain significance (2); Likely benign (1). Last evaluated 2025-07-14.

Conditions:
Inborn genetic diseases. Identifiers: MedGen C0950123, MeSH D030342.
Megaconial type congenital muscular dystrophy (MDCMC). Also called: CHKB-Related Muscular Dystrophy; CHKB-Related Muscle Diseases; MUSCULAR DYSTROPHY, CONGENITAL, WITH MITOCHONDRIAL STRUCTURAL ABNORMALITIES. Identifiers: Orphanet 280671, MedGen C1865233, MONDO:0011246, OMIM 602541.

Allele frequency attached by ClinVar (database versions not stated): ExAC 0.00001; gnomAD 0.00001; gnomAD exomes 0.00001; TOPMed 0.00002.
gnomAD v4.1: 21 of 1,610,736 alleles (0.0013%); highest among the groups gnomAD compares: Middle Eastern, 0.016%; no homozygotes.

Submissions (3):

Ambry Genetics
Classification: Uncertain significance for Inborn genetic diseases. Last evaluated: 2025-07-14. Review status: criteria provided, single submitter. Criteria: Ambry Variant Classification Scheme 2023. Collection method: clinical testing. Allele origin: germline.

Labcorp Genetics (formerly Invitae), Labcorp
Classification: Uncertain significance for Megaconial type congenital muscular dystrophy. Last evaluated: 2024-10-07. Review status: criteria provided, single submitter. Criteria: Invitae Variant Classification Sherloc (09022015). Collection method: clinical testing. Allele origin: germline.
Comment: This sequence change replaces glutamic acid, which is acidic and polar, with aspartic acid, which is acidic and polar, at codon 46 of the CHKB protein (p.Glu46Asp). This variant is present in population databases (rs752292240, gnomAD 0.007%). This variant has not been reported in the literature in individuals affected with CHKB-related conditions. ClinVar contains an entry for this variant (Variation ID: 638334). Invitae Evidence Modeling of protein sequence and biophysical properties (such as structural, functional, and spatial information, amino acid conservation, physicochemical variation, residue mobility, and thermodynamic stability) indicates that this missense variant is not expected to disrupt CHKB protein function with a negative predictive value of 80%. In summary, the available evidence is currently insufficient to determine the role of this variant in disease. Therefore, it has been classified as a Variant of Uncertain Significance.

Genomic Research Center, Shahid Beheshti University of Medical Sciences
Classification: Likely benign for Muscular dystrophy, congenital, megaconial type. Last evaluated: 2019-04-27. Review status: criteria provided, single submitter. Criteria: ACMG Guidelines, 2015. Collection method: clinical testing. Allele origin: unknown. Affected: no.